The following is an entry in ClinVar:

ClinVar aggregate classification (germline): Uncertain significance. Review status: criteria provided, multiple submitters, no conflicts (2 of 4 stars). 3 submissions from 3 submitters: Uncertain significance (2). 1 of the submissions does not count toward it. Last evaluated 2025-04-23.

Conditions:
TTN-related disorder. Also called: TTN-related condition; TTN-related disease; TTN-related disorders.
Dilated cardiomyopathy 1G (CMD1G). Identifiers: Orphanet 154, MedGen C1858763, MONDO:0011400, OMIM 604145.
Autosomal recessive limb-girdle muscular dystrophy type 2J (LGMDR10). Also called: Limb-girdle muscular dystrophy, type 2J; MUSCULAR DYSTROPHY, LIMB-GIRDLE, AUTOSOMAL RECESSIVE 10. Identifiers: Orphanet 140922, MedGen C1837342, MONDO:0012127, OMIM 608807.

gnomAD v4.1: 3 of 1,613,870 alleles (0.00019%); highest among the groups gnomAD compares: Non-Finnish European, 0.00025%; no homozygotes.

Submissions (3):

GeneDx
Classification: Uncertain significance. Last evaluated: 2025-04-23. Review status: criteria provided, single submitter. Criteria: GeneDx Variant Classification Process June 2021. Collection method: clinical testing. Allele origin: germline. Affected: yes.
Comment: Not observed at significant frequency in large population cohorts (gnomAD); Missense variant in a gene in which most reported pathogenic variants are truncating/loss of function; Has not been previously published as pathogenic or benign to our knowledge; This variant is associated with the following publications: (PMID: 23975875, 25589632)

Labcorp Genetics (formerly Invitae), Labcorp
Classification: Uncertain significance for Dilated cardiomyopathy 1G; Autosomal recessive limb-girdle muscular dystrophy type 2J. Last evaluated: 2023-06-24. Review status: criteria provided, single submitter. Criteria: Invitae Variant Classification Sherloc (09022015). Collection method: clinical testing. Allele origin: germline.
Comment: This variant is not present in population databases (gnomAD no frequency). This sequence change replaces lysine, which is basic and polar, with asparagine, which is neutral and polar, at codon 33728 of the TTN protein (p.Lys33728Asn). This variant has not been reported in the literature in individuals affected with TTN-related conditions. This variant is located in the M band of TTN (PMID: 25589632). Variants in this region may be relevant for neuromuscular disorders, but have not been definitively shown to cause cardiomyopathy (PMID: 23975875). In summary, the available evidence is currently insufficient to determine the role of this variant in disease. Therefore, it has been classified as a Variant of Uncertain Significance. Experimental studies and prediction algorithms are not available or were not evaluated, and the functional significance of this variant is currently unknown.

PreventionGenetics, part of Exact Sciences
Classification: Uncertain significance for TTN-related condition. Last evaluated: 2024-09-11. Review status: no assertion criteria provided. Collection method: clinical testing. Allele origin: germline. Not counted in ClinVar's aggregate classification.
Comment: The TTN c.101184A>T variant is predicted to result in the amino acid substitution p.Lys33728Asn. This variant is located in the M-band region of the TTN protein. To our knowledge, this variant has not been reported in the literature or in a large population database, indicating this variant is rare. At this time, the clinical significance of this variant is uncertain due to the absence of conclusive functional and genetic evidence.

Literature cited by the submitters: PubMed 25589632 (cited by Labcorp Genetics (formerly Invitae), Labcorp); PubMed 23975875 (cited by Labcorp Genetics (formerly Invitae), Labcorp).

NM_001267550.2(TTN):c.101184A>T (p.Lys33728Asn)

Genes: TTN (titin; minus strand), TTN-AS1 (TTN antisense RNA 1; plus strand). Cytogenetic location: 2q31.2.
Variant type: single nucleotide variant.
Coding change: c.101184A>T on transcript NM_001267550.2 (MANE Select); coding-DNA position 101184, A replaced by T.
Protein change: p.Lys33728Asn; replaces lysine 33728 with asparagine.
Molecular consequence: missense variant.
Genome position (GRCh38, 1-based): chr2:178,535,431, T>A on the plus strand (A>T on the coding strand, the complement: TTN is on the minus strand). VCF-style: chr2-178535431-T-A. GRCh37 (hg19) VCF-style: chr2-179400158-T-A.
Other names: c.96261A>T, p.Lys32087Asn (NM_001256850.1); c.73989A>T, p.Lys24663Asn (NM_003319.4); c.93480A>T, p.Lys31160Asn (NM_133378.4); c.74364A>T, p.Lys24788Asn (NM_133432.3); c.74565A>T, p.Lys24855Asn (NM_133437.4); short protein forms K33728N, K31160N, K24788N, K24663N, K24855N, K32087N.
Identifiers: ClinVar variation 2923434 (VCV002923434.5), dbSNP rs2468574728, ClinGen allele CA349421391.